The following is an entry in ClinVar:

ClinVar aggregate classification (germline): Conflicting classifications of pathogenicity. Review status: criteria provided, conflicting classifications (1 of 4 stars). 3 submissions from 3 submitters: Uncertain significance (1); Likely benign (2). Last evaluated 2026-01-25.

Conditions:
IRF2BPL-related disorder. Also called: IRF2BPL-related condition. Identifiers: MedGen CN381093.
Inborn genetic diseases. Identifiers: MedGen C0950123, MeSH D030342.

Allele frequency attached by ClinVar (database versions not stated): gnomAD exomes 0.00007.

Submissions (3):

PreventionGenetics, part of Exact Sciences
Classification: Likely benign for IRF2BPL-related condition. Last evaluated: 2026-01-25. Review status: criteria provided, single submitter. Criteria: ACMG Guidelines, 2015. Collection method: clinical testing. Allele origin: germline.
Comment: This variant is classified as likely benign based on ACMG/AMP sequence variant interpretation guidelines (Richards et al. 2015 PMID: 25741868, with internal and published modifications).

CeGaT Center for Human Genetics Tuebingen
Classification: Likely benign. Last evaluated: 2022-07-01. Review status: criteria provided, single submitter. Criteria: CeGaT Center For Human Genetics Tuebingen Variant Classification Criteria Version 2. Collection method: clinical testing. Allele origin: germline. Affected: yes. Observed: 1 variant allele.
Comment: IRF2BPL: BS1

Ambry Genetics
Classification: Uncertain significance for Inborn genetic diseases. Last evaluated: 2021-04-20. Review status: criteria provided, single submitter. Criteria: Ambry Variant Classification Scheme 2023. Collection method: clinical testing. Allele origin: germline.

NM_024496.4(IRF2BPL):c.887C>T (p.Pro296Leu)

Gene: IRF2BPL (interferon regulatory factor 2 binding protein like; minus strand). Cytogenetic location: 14q24.3.
Variant type: single nucleotide variant.
Coding change: c.887C>T on transcript NM_024496.4 (MANE Select); coding-DNA position 887, C replaced by T.
Protein change: p.Pro296Leu; replaces proline 296 with leucine.
Molecular consequence: missense variant.
Genome position (GRCh38, 1-based): chr14:77,026,906, G>A on the plus strand (C>T on the coding strand, the complement: IRF2BPL is on the minus strand). VCF-style: chr14-77026906-G-A. GRCh37 (hg19) VCF-style: chr14-77493249-G-A.
Other names: c.887C>T (NM_024496.3, NM_024496.2); short protein forms P296L.
Identifiers: ClinVar variation 1701239 (VCV001701239.33), dbSNP rs751627340, ClinGen allele CA7283819.